The following is an entry in ClinVar:

ClinVar aggregate classification (germline): Pathogenic (1 of 4 stars; one submission).

Conditions:
Lethal multiple pterygium syndrome (LMPS). Identifiers: Orphanet 33108, MedGen C1854678, MONDO:0009668, OMIM 253290.

Submission:

Labcorp Genetics (formerly Invitae), Labcorp
Classification: Pathogenic for Lethal multiple pterygium syndrome. Last evaluated: 2023-01-22. Review status: criteria provided, single submitter. Criteria: Invitae Variant Classification Sherloc (09022015). Collection method: clinical testing. Allele origin: unknown.
Comment: For these reasons, this variant has been classified as Pathogenic. This truncation eliminates multiple conserved functional regions (transmembrane, cytoplasmic) of the CHRNA1 protein (PMID: 25348405, 22728938) and a high percentage of previously reported CHRNA1 missense mutations have been found in the truncated region (PMID: 14719537, 27748205, 10195214). These observations suggest that this truncation will result in a non-functional CHRNA1 protein product. This variant has not been reported in the literature in individuals affected with CHRNA1-related conditions. This variant is a gross deletion of the genomic region encompassing exon(s) 5-9 of the CHRNA1 gene, which includes the termination codon. This deletion extends beyond the assayed region for this gene and therefore may encompass additional genes. While this deletion is not anticipated to lead to nonsense mediated decay, it is expected to alter mRNA translation or result in a truncated protein product.

Literature cited by the submitters: PubMed 25348405; PubMed 22728938; PubMed 14719537; PubMed 27748205; PubMed 10195214.

NC_000002.11:g.(?_175612852)_(175619162_?)del

Gene: CHRNA1 (cholinergic receptor nicotinic alpha 1 subunit; minus strand). Cytogenetic location: 2q31.1.
Variant type: Deletion.
Identifiers: ClinVar variation 3247274 (VCV003247274.1).